The following is an entry in ClinVar:

NM_001353108.3(CEP63):c.1064G>A (p.Gly355Asp)

Gene: CEP63 (centrosomal protein 63; plus strand). Cytogenetic location: 3q22.2.
Variant type: single nucleotide variant.
Coding change: c.1064G>A on transcript NM_001353108.3 (MANE Select); coding-DNA position 1064, G replaced by A.
Protein change: p.Gly355Asp; replaces glycine 355 with aspartic acid.
Molecular consequence: missense variant. On other transcripts: intron variant (12).
Genome position (GRCh38, 1-based): chr3:134,547,469, G>A. VCF-style: chr3-134547469-G-A. GRCh37 (hg19) VCF-style: chr3-134266311-G-A.
Other names: c.1064G>A, p.Gly355Asp (NM_001042400.3, NM_001353110.1, NM_001353111.2 and 4 more transcripts); c.929+1181G>A (NM_001042384.2, NM_001353122.1, NM_001353109.1 and 6 more transcripts); c.956+1181G>A (NM_001353118.1); c.566+1181G>A (NM_001353126.2); c.845+1181G>A (NM_001353125.2); short protein forms G355D.
Identifiers: ClinVar variation 1911799 (VCV001911799.4), dbSNP rs1953676246, ClinGen allele CA354629637.
Genomic context (GRCh38, chr3:134,547,469, plus strand): 5'-AGTTGAATTTTACCCATACTAGTGAGGACCTTCTGCAGGCAGAGGTGACTTGTCTTGAAG[G>A]CAGGTACATAATTATACACACATTTCAAAAATTTCAAGTTGTTAAAATGAATTTTTGATC-3'
Protein context (NP_001340037.1, residues 345-365): LLQAEVTCLE[Gly355Asp]SLESVSATCK

ClinVar aggregate classification (germline): Uncertain significance (1 of 4 stars; one submission).

Allele frequency attached by ClinVar (database versions not stated): gnomAD exomes 0.00001.
gnomAD v4.1: 18 of 1,613,462 alleles (0.0011%); highest among the groups gnomAD compares: Non-Finnish European, 0.0014%; no homozygotes.

Submission:

Labcorp Genetics (formerly Invitae), Labcorp
Classification: Uncertain significance. Last evaluated: 2022-08-06. Review status: criteria provided, single submitter. Criteria: Invitae Variant Classification Sherloc (09022015). Collection method: clinical testing. Allele origin: germline.
Comment: This sequence change replaces glycine, which is neutral and non-polar, with aspartic acid, which is acidic and polar, at codon 355 of the CEP63 protein (p.Gly355Asp). This variant is not present in population databases (gnomAD no frequency). This variant has not been reported in the literature in individuals affected with CEP63-related conditions. Algorithms developed to predict the effect of missense changes on protein structure and function (SIFT, PolyPhen-2, Align-GVGD) all suggest that this variant is likely to be tolerated. Algorithms developed to predict the effect of sequence changes on RNA splicing suggest that this variant may disrupt the consensus splice site. In summary, the available evidence is currently insufficient to determine the role of this variant in disease. Therefore, it has been classified as a Variant of Uncertain Significance.